The following is an entry in ClinVar:

NM_018368.4(LMBRD1):c.73A>G (p.Ile25Val)

Gene: LMBRD1 (LMBR1 domain containing 1; minus strand). Cytogenetic location: 6q13.
Variant type: single nucleotide variant.
Coding change: c.73A>G on transcript NM_018368.4 (MANE Select); coding-DNA position 73, A replaced by G.
Protein change: p.Ile25Val; replaces isoleucine 25 with valine.
Molecular consequence: missense variant. On other transcripts: 5 prime UTR variant (3).
Genome position (GRCh38, 1-based): chr6:69,790,469, T>C on the plus strand (A>G on the coding strand, the complement: LMBRD1 is on the minus strand). VCF-style: chr6-69790469-T-C. GRCh37 (hg19) VCF-style: chr6-70500361-T-C.
Other names: c.-147A>G (NM_001363722.2, NM_001367271.1, NM_001367272.1); short protein forms I25V.
Identifiers: ClinVar variation 840989 (VCV000840989.6), dbSNP rs772119224, ClinGen allele CA3880002.

ClinVar aggregate classification (germline): Uncertain significance. Review status: criteria provided, multiple submitters, no conflicts (2 of 4 stars). 3 submissions from 3 submitters: Uncertain significance (3). Last evaluated 2022-07-17.

Conditions:
Inborn genetic diseases. Identifiers: MedGen C0950123, MeSH D030342.
Methylmalonic aciduria and homocystinuria type cblF. Also called: METHYLMALONIC ACIDEMIA AND HOMOCYSTINURIA, cblF TYPE; METHYLMALONIC ACIDURIA DUE TO VITAMIN B12-RELEASE DEFECT; COBALAMIN F DISEASE; COBALAMIN, DEFECT IN LYSOSOMAL RELEASE OF; VITAMIN B12 LYSOSOMAL RELEASE DEFECT; VITAMIN B12 STORAGE DISEASE. Identifiers: Orphanet 79284, MedGen C1848578, MONDO:0010183, OMIM 277380.

Allele frequency attached by ClinVar (database versions not stated): ExAC 0.00002; gnomAD exomes 0.00002 and 0.00003; gnomAD 0.00003 and 0.00004; TOPMed 0.00003.
gnomAD v4.1: 53 of 1,613,616 alleles (0.0033%); highest among the groups gnomAD compares: Middle Eastern, 0.016%; no homozygotes.

Submissions (3):

Ambry Genetics
Classification: Uncertain significance for Inborn genetic diseases. Last evaluated: 2022-07-17. Review status: criteria provided, single submitter. Criteria: Ambry Variant Classification Scheme 2023. Collection method: clinical testing. Allele origin: germline.

Labcorp Genetics (formerly Invitae), Labcorp
Classification: Uncertain significance for Methylmalonic aciduria and homocystinuria type cblF. Last evaluated: 2022-07-05. Review status: criteria provided, single submitter. Criteria: Invitae Variant Classification Sherloc (09022015). Collection method: clinical testing. Allele origin: germline.
Comment: This sequence change replaces isoleucine, which is neutral and non-polar, with valine, which is neutral and non-polar, at codon 25 of the LMBRD1 protein (p.Ile25Val). This variant is present in population databases (rs772119224, gnomAD 0.005%). This variant has not been reported in the literature in individuals affected with LMBRD1-related conditions. ClinVar contains an entry for this variant (Variation ID: 840989). Algorithms developed to predict the effect of missense changes on protein structure and function (SIFT, PolyPhen-2, Align-GVGD) all suggest that this variant is likely to be disruptive. In summary, the available evidence is currently insufficient to determine the role of this variant in disease. Therefore, it has been classified as a Variant of Uncertain Significance.

GeneDx
Classification: Uncertain significance. Last evaluated: 2019-11-05. Review status: criteria provided, single submitter. Criteria: GeneDx Variant Classification Process June 2021. Collection method: clinical testing. Allele origin: germline. Affected: yes.
Comment: Not observed at a significant frequency in large population cohorts (Lek et al., 2016); In silico analysis, which includes protein predictors and evolutionary conservation, supports that this variant does not alter protein structure/function; Has not been previously published as pathogenic or benign to our knowledge